The following is an entry in ClinVar:

NM_017777.4(MKS1):c.394G>C (p.Asp132His)

Gene: MKS1 (MKS transition zone complex subunit 1; minus strand). Cytogenetic location: 17q22.
Variant type: single nucleotide variant.
Coding change: c.394G>C on transcript NM_017777.4 (MANE Select); coding-DNA position 394, G replaced by C.
Protein change: p.Asp132His; replaces aspartic acid 132 with histidine.
Molecular consequence: missense variant. On other transcripts: 5 prime UTR variant (1).
Genome position (GRCh38, 1-based): chr17:58,216,111, C>G on the plus strand (G>C on the coding strand, the complement: MKS1 is on the minus strand). VCF-style: chr17-58216111-C-G. GRCh37 (hg19) VCF-style: chr17-56293472-C-G.
Other names: c.-118G>C (NM_001321268.2); c.394G>C, p.Asp132His (NM_001321269.2, NM_001330397.2, NM_001411113.1); short protein forms D132H.
Identifiers: ClinVar variation 3345606 (VCV003345606.1).

ClinVar aggregate classification (germline): Uncertain significance (0 of 4 stars; one submission).

Conditions:
MKS1-related disorder. Also called: MKS1-related condition; MKS1-related disorders. Identifiers: MedGen CN239382.

Submission:

PreventionGenetics, part of Exact Sciences
Classification: Uncertain significance for MKS1-related condition. Last evaluated: 2024-03-27. Review status: no assertion criteria provided. Collection method: clinical testing. Allele origin: germline.
Comment: The MKS1 c.394G>C variant is predicted to result in the amino acid substitution p.Asp132His. To our knowledge, this variant has not been reported in the literature or in a large population database, indicating this variant is rare. At this time, the clinical significance of this variant is uncertain due to the absence of conclusive functional and genetic evidence.